The following is an entry in ClinVar:

ClinVar aggregate classification (germline): Likely benign (1 of 4 stars; one submission).

Allele frequency attached by ClinVar (database versions not stated): gnomAD 0.00052 and 0.00065; TOPMed 0.00077; 1000 Genomes Project 30x 0.00203; 1000 Genomes Project 0.00240; gnomAD exomes 0.00273.
gnomAD v4.1: 310 of 229,372 alleles (0.14%); highest among the groups gnomAD compares: East Asian, 1.5%; 4 homozygotes.

Submission:

CeGaT Center for Human Genetics Tuebingen
Classification: Likely benign. Last evaluated: 2023-05-01. Review status: criteria provided, single submitter. Criteria: CeGaT Center For Human Genetics Tuebingen Variant Classification Criteria Version 2. Collection method: clinical testing. Allele origin: germline. Affected: yes. Observed: 2 variant alleles.
Comment: SMAD3: BS1

NM_005902.4(SMAD3):c.*1325T>C

Gene: SMAD3 (SMAD family member 3; plus strand). Cytogenetic location: 15q22.33.
Variant type: single nucleotide variant.
Coding change: c.*1325T>C on transcript NM_005902.4 (MANE Select); 1325 bases downstream of the stop codon, T replaced by C.
Molecular consequence: 3 prime UTR variant.
Genome position (GRCh38, 1-based): chr15:67,191,861, T>C. VCF-style: chr15-67191861-T-C. GRCh37 (hg19) VCF-style: chr15-67484199-T-C.
Other names: c.*1325T>C (NM_001145102.2, NM_001145103.2, NM_001145104.2).
Identifiers: ClinVar variation 316899 (VCV000316899.32), dbSNP rs139620908, ClinGen allele CA10646511.